The following is an entry in ClinVar:

ClinVar aggregate classification (germline): Uncertain significance (1 of 4 stars; one submission).

Conditions:
Inborn genetic diseases. Identifiers: MedGen C0950123, MeSH D030342.

gnomAD v4.1: 10 of 1,588,138 alleles (0.00063%); highest among the groups gnomAD compares: South Asian, 0.0034%; no homozygotes.

Submission:

Ambry Genetics
Classification: Uncertain significance for Inborn genetic diseases. Last evaluated: 2026-04-28. Review status: criteria provided, single submitter. Criteria: Ambry Variant Classification Scheme 2023. Collection method: clinical testing. Allele origin: germline.
Comment: The c.763A>G (p.S255G) alteration is located in exon 7 (coding exon 6) of the SATB1 gene. This alteration results from a A to G substitution at nucleotide position 763, causing the serine (S) at amino acid position 255 to be replaced by a glycine (G). Based on data from gnomAD, the G allele has an overall frequency of <0.001% (1/234722) total alleles studied. The highest observed frequency was 0.004% (1/28402) of South Asian alleles. Based on insufficient or conflicting evidence, the clinical significance of this alteration remains unclear.

NM_002971.6(SATB1):c.763A>G (p.Ser255Gly)

Gene: SATB1 (SATB homeobox 1; minus strand). Cytogenetic location: 3p24.3.
Variant type: single nucleotide variant.
Coding change: c.763A>G on transcript NM_002971.6 (MANE Select); coding-DNA position 763, A replaced by G.
Protein change: p.Ser255Gly; replaces serine 255 with glycine.
Molecular consequence: missense variant.
Genome position (GRCh38, 1-based): chr3:18,394,905, T>C on the plus strand (A>G on the coding strand, the complement: SATB1 is on the minus strand). VCF-style: chr3-18394905-T-C. GRCh37 (hg19) VCF-style: chr3-18436397-T-C.
Other names: c.763A>G, p.Ser255Gly (NM_001131010.4, NM_001195470.3, NM_001322871.2 and 4 more transcripts); c.547A>G, p.Ser183Gly (NM_001322876.2); short protein forms S183G, S255G.
Identifiers: ClinVar variation 4864042 (VCV004864042.1).